The following is an entry in ClinVar:

NM_000321.3(RB1):c.390del (p.Lys130fs)

Gene: RB1 (RB transcriptional corepressor 1; plus strand). Cytogenetic location: 13q14.2.
Variant type: Deletion.
Coding change: c.390del on transcript NM_000321.3 (MANE Select); coding-DNA position 390, one base deleted (A; older notation c.390delA).
Protein change: p.Lys130fs; shifts the reading frame from lysine 130.
Molecular consequence: frameshift variant.
Genome position (GRCh38, 1-based): chr13:48,345,089, A deleted; the last of 3 consecutive A bases (chr13:48,345,087-48,345,089); deleting any one gives the same sequence. VCF-style (leftmost placement, unchanged base first): chr13-48345086-TA-T. GRCh37 (hg19) VCF-style: chr13-48919222-TA-T.
Other names: short protein forms K130fs.
Identifiers: ClinVar variation 1073220 (VCV001073220.9), dbSNP rs2138087163, ClinGen allele CA2499222428.

ClinVar aggregate classification (germline): Pathogenic (1 of 4 stars; one submission).

Conditions:
Retinoblastoma (RB1). Also called: RETINOBLASTOMA, SOMATIC. Identifiers: Orphanet 790, MedGen C0035335, MeSH D012175, MONDO:0008380, OMIM 180200, HP:0009919. Disease mechanism: loss of function. Inheritance: Both sporadic and heritable forms are tested..

Submission:

Labcorp Genetics (formerly Invitae), Labcorp
Classification: Pathogenic for Retinoblastoma. Last evaluated: 2020-06-10. Review status: criteria provided, single submitter. Criteria: Invitae Variant Classification Sherloc (09022015). Collection method: clinical testing. Allele origin: germline.
Comment: This sequence change creates a premature translational stop signal (p.Lys130Asnfs*6) in the RB1 gene. It is expected to result in an absent or disrupted protein product. For these reasons, this variant has been classified as Pathogenic. Loss-of-function variants in RB1 are known to be pathogenic (PMID: 17096365). This variant has been observed in an individual with retinoblastoma (PMID: 26539030). This variant is not present in population databases (ExAC no frequency).

Literature cited by the submitters: PubMed 17096365; PubMed 26539030.